The following is an entry in ClinVar:

ClinVar aggregate classification (germline): Uncertain significance. Review status: criteria provided, multiple submitters, no conflicts (2 of 4 stars). 2 submissions from 2 submitters: Uncertain significance (2). Last evaluated 2024-10-24.

Conditions:
Long QT syndrome (LQTS). Identifiers: MedGen C0023976, MeSH D008133, MONDO:0002442. Disease mechanism: loss of function. Inheritance: Various modes of inheritance.

Allele frequency attached by ClinVar (database versions not stated): TOPMed below 0.00001; gnomAD 0.00001.
gnomAD v4.1: 1 of 1,613,202 alleles (0.000062%); highest among the groups gnomAD compares: Non-Finnish European, 0.000085%; no homozygotes.

Submissions (2):

GeneDx
Classification: Uncertain significance. Last evaluated: 2024-10-24. Review status: criteria provided, single submitter. Criteria: GeneDx Variant Classification Process June 2021. Collection method: clinical testing. Allele origin: germline. Affected: yes.
Comment: Not observed at significant frequency in large population cohorts (gnomAD); In silico analysis indicates that this missense variant does not alter protein structure/function; Has not been previously published as pathogenic or benign to our knowledge

Labcorp Genetics (formerly Invitae), Labcorp
Classification: Uncertain significance for Long QT syndrome. Last evaluated: 2024-10-24. Review status: criteria provided, single submitter. Criteria: Invitae Variant Classification Sherloc (09022015). Collection method: clinical testing. Allele origin: germline.
Comment: This sequence change replaces glutamine, which is neutral and polar, with glutamic acid, which is acidic and polar, at codon 683 of the CACNA1C protein (p.Gln683Glu). This variant is not present in population databases (gnomAD no frequency). This variant has not been reported in the literature in individuals affected with CACNA1C-related conditions. ClinVar contains an entry for this variant (Variation ID: 2165029). Invitae Evidence Modeling of protein sequence and biophysical properties (such as structural, functional, and spatial information, amino acid conservation, physicochemical variation, residue mobility, and thermodynamic stability) indicates that this missense variant is not expected to disrupt CACNA1C protein function with a negative predictive value of 95%. In summary, the available evidence is currently insufficient to determine the role of this variant in disease. Therefore, it has been classified as a Variant of Uncertain Significance.

NM_000719.7(CACNA1C):c.2047C>G (p.Gln683Glu)

Gene: CACNA1C (calcium voltage-gated channel subunit alpha1 C; plus strand). Cytogenetic location: 12p13.33.
Variant type: single nucleotide variant.
Coding change: c.2047C>G on transcript NM_000719.7 (MANE Select); coding-DNA position 2047, C replaced by G.
Protein change: p.Gln683Glu; replaces glutamine 683 with glutamic acid.
Molecular consequence: missense variant.
Genome position (GRCh38, 1-based): chr12:2,581,741, C>G. VCF-style: chr12-2581741-C-G. GRCh37 (hg19) VCF-style: chr12-2690907-C-G.
Other names: c.2047C>G, p.Gln683Glu (NM_001129827.2, NM_001129829.2, NM_001129830.3 and 18 more transcripts); c.2038C>G, p.Gln680Glu (NM_001129844.2); short protein forms Q680E, Q683E.
Identifiers: ClinVar variation 2165029 (VCV002165029.4), dbSNP rs1167574555, ClinGen allele CA383370417.